The following is an entry in ClinVar:

NM_004006.3(DMD):c.7085C>A (p.Pro2362Gln)

Gene: DMD (dystrophin; minus strand). Cytogenetic location: Xp21.1.
Variant type: single nucleotide variant.
Coding change: c.7085C>A on transcript NM_004006.3 (MANE Select); coding-DNA position 7085, C replaced by A.
Protein change: p.Pro2362Gln; replaces proline 2362 with glutamine.
Molecular consequence: missense variant. On other transcripts: 5 prime UTR variant (5).
Genome position (GRCh38, 1-based): chrX:31,875,201, G>T on the plus strand (C>A on the coding strand, the complement: DMD is on the minus strand). VCF-style: chrX-31875201-G-T. GRCh37 (hg19) VCF-style: chrX-31893318-G-T.
Other names: c.7061C>A, p.Pro2354Gln (NM_000109.4); c.7073C>A, p.Pro2358Gln (NM_004009.3); c.6716C>A, p.Pro2239Gln (NM_004010.3); c.3062C>A, p.Pro1021Gln (NM_004011.4); c.3053C>A, p.Pro1018Gln (NM_004012.4); c.-296C>A (NM_004013.3, NM_004020.4, NM_004021.3 and 2 more transcripts); short protein forms P2362Q, P1018Q, P2354Q, P2358Q, P1021Q, P2239Q.
Identifiers: ClinVar variation 284732 (VCV000284732.59), dbSNP rs141151675, ClinGen allele CA10378350.
Genomic context (GRCh38, chrX:31,875,201, plus strand): 5'-ATTTTTCTTAAAAAAGACAAAAATATTTAAAGCAAAAAGTTCCCTACCTTAACGTCAAAT[G>T]GTCCTTCTTGGTTTGGTTGGTTATAAATTTCCAACTGATTCCTAATAGGAGATAACCACA-3'
Protein context (NP_003997.2, residues 2352-2372): EIYNQPNQEG[Pro2362Gln]FDVKETEIAV

ClinVar aggregate classification (germline): Conflicting classifications of pathogenicity. Review status: criteria provided, conflicting classifications (1 of 4 stars). 8 submissions from 8 submitters: Uncertain significance (2); Benign (1); Likely benign (4). 1 of the submissions does not count toward it. Last evaluated 2026-01-12.

Conditions:
Becker muscular dystrophy (BMD). Also called: Becker Muscular Dystrophy (BMD); MUSCULAR DYSTROPHY, PSEUDOHYPERTROPHIC PROGRESSIVE, BECKER TYPE. Identifiers: Orphanet 98895, MedGen C0917713, MONDO:0010311, OMIM 300376.
Dystrophin deficiency.
Duchenne muscular dystrophy (DMD). Also called: MUSCULAR DYSTROPHY, PSEUDOHYPERTROPHIC PROGRESSIVE, DUCHENNE TYPE; Duchenne Muscular Dystrophy (DMD). Identifiers: Orphanet 98896, MedGen C0013264, MONDO:0010679, OMIM 310200.
Cardiomyopathy (CMYO). Also called: Cardiomyopathies. Identifiers: Orphanet 167848, MedGen C0878544, MONDO:0004994, HP:0001638. Inheritance: Various modes of inheritance.
Cardiovascular phenotype. Identifiers: MedGen CN230736.
Dilated cardiomyopathy 3B (CMD3B). Also called: CMD3B: DMD-Related Dilated Cardiomyopathy; CARDIOMYOPATHY, DILATED, X-LINKED; DMD-Associated Dilated Cardiomyopathy. Identifiers: Orphanet 154, MedGen C3668940, MONDO:0010542, OMIM 302045.

Allele frequency attached by ClinVar (database versions not stated): ExAC 0.00014; gnomAD exomes 0.00007 and 0.00009; TOPMed 0.00008; ESP Exome Variant Server 0.00009; gnomAD 0.00011 and 0.00013.
gnomAD v4.1: 91 of 1,201,730 alleles (0.0076%); highest among the groups gnomAD compares: Non-Finnish European, 0.009%; no homozygotes.

Submissions (8):

Labcorp Genetics (formerly Invitae), Labcorp
Classification: Benign for Duchenne muscular dystrophy. Last evaluated: 2026-01-12. Review status: criteria provided, single submitter. Criteria: Invitae Variant Classification Sherloc (09022015). Collection method: clinical testing. Allele origin: germline.

Blueprint Genetics
Classification: Likely benign. Last evaluated: 2024-10-24. Review status: criteria provided, single submitter. Criteria: ACMG Guidelines, 2015. Collection method: clinical testing. Allele origin: germline.

CeGaT Center for Human Genetics Tuebingen
Classification: Likely benign. Last evaluated: 2024-07-01. Review status: criteria provided, single submitter. Criteria: CeGaT Center For Human Genetics Tuebingen Variant Classification Criteria Version 2. Collection method: clinical testing. Allele origin: germline. Affected: yes. Observed: 3 variant alleles.
Comment: DMD: BP4, BS2

GeneDx
Classification: Likely benign. Last evaluated: 2020-09-03. Review status: criteria provided, single submitter. Criteria: GeneDx Variant Classification Process June 2021. Collection method: clinical testing. Allele origin: germline. Affected: yes.
Comment: This variant is associated with the following publications: (PMID: 11524473, 28798025)

Ambry Genetics
Classification: Likely benign for Cardiovascular phenotype. Last evaluated: 2017-10-26. Review status: criteria provided, single submitter. Criteria: Ambry Variant Classification Scheme 2023. Collection method: clinical testing. Allele origin: germline.

Illumina Laboratory Services, Illumina
Classification: Uncertain significance for Dilated cardiomyopathy 3B. Last evaluated: 2017-04-27. Review status: criteria provided, single submitter. Criteria: ICSL Variant Classification Criteria 13 December 2019. Collection method: clinical testing. Allele origin: germline.

Eurofins Ntd Llc (ga)
Classification: Uncertain significance. Last evaluated: 2015-12-03. Review status: criteria provided, single submitter. Criteria: EGL Classification Definitions 2015. Collection method: clinical testing. Allele origin: germline. Observed: 2 variant alleles, 2 hemizygotes.

Natera, Inc.
Classification: Likely benign for Becker muscular dystrophy; Cardiomyopathy; Duchenne muscular dystrophy; Dystrophin deficiency. Last evaluated: 2019-06-27. Review status: no assertion criteria provided. Collection method: clinical testing. Allele origin: germline. Not counted in ClinVar's aggregate classification.